The following is an entry in ClinVar:

NM_003036.4(SKI):c.919G>A (p.Val307Met)

Gene: SKI (SKI proto-oncogene; plus strand). Cytogenetic location: 1p36.33.
Variant type: single nucleotide variant.
Coding change: c.919G>A on transcript NM_003036.4 (MANE Select); coding-DNA position 919, G replaced by A.
Protein change: p.Val307Met; replaces valine 307 with methionine.
Molecular consequence: missense variant.
Genome position (GRCh38, 1-based): chr1:2,229,685, G>A. VCF-style: chr1-2229685-G-A. GRCh37 (hg19) VCF-style: chr1-2161124-G-A.
Other names: p.V307M:GTG>ATG; short protein forms V307M.
Identifiers: ClinVar variation 213686 (VCV000213686.12), dbSNP rs775192483, ClinGen allele CA321299.

ClinVar aggregate classification (germline): Uncertain significance. Review status: criteria provided, multiple submitters, no conflicts (2 of 4 stars). 3 submissions from 3 submitters: Uncertain significance (3). Last evaluated 2024-10-21.

Conditions:
Familial thoracic aortic aneurysm and aortic dissection (TAAD). Also called: Thoracic aortic aneurysms and dissections. Identifiers: Orphanet 91387, MedGen C4707243, MONDO:0019625.
Shprintzen-Goldberg syndrome (SGS). Also called: CRANIOSYNOSTOSIS WITH ARACHNODACTYLY AND ABDOMINAL HERNIAS; Marfanoid disorder with craniosynostosis type 1; Marfanoid craniosynostosis syndrome; Shprintzen-Goldberg marfanoid syndrome; SHPRINTZEN-GOLDBERG CRANIOSYNOSTOSIS SYNDROME. Identifiers: Orphanet 2462, MedGen C1321551, MONDO:0008426, OMIM 182212.

Allele frequency attached by ClinVar (database versions not stated): gnomAD 0.00001; gnomAD exomes 0.00002 and 0.00001; TOPMed 0.00002; ExAC 0.00003.
gnomAD v4.1: 32 of 1,602,266 alleles (0.002%); highest among the groups gnomAD compares: Middle Eastern, 0.016%; no homozygotes.

Submissions (3):

Ambry Genetics
Classification: Uncertain significance for Familial thoracic aortic aneurysm and aortic dissection. Last evaluated: 2024-10-21. Review status: criteria provided, single submitter. Criteria: Ambry Variant Classification Scheme 2023. Collection method: clinical testing. Allele origin: germline.
Comment: The p.V307M variant (also known as c.919G>A), located in coding exon 1 of the SKI gene, results from a G to A substitution at nucleotide position 919. The valine at codon 307 is replaced by methionine, an amino acid with highly similar properties. This amino acid position is not well conserved in available vertebrate species, and methionine is the reference amino acid in other vertebrate species. In addition, this alteration is predicted to be tolerated by in silico analysis. Since supporting evidence is limited at this time, the clinical significance of this alteration remains unclear.

Labcorp Genetics (formerly Invitae), Labcorp
Classification: Uncertain significance for Shprintzen-Goldberg syndrome. Last evaluated: 2024-09-21. Review status: criteria provided, single submitter. Criteria: Invitae Variant Classification Sherloc (09022015). Collection method: clinical testing. Allele origin: germline.
Comment: This sequence change replaces valine, which is neutral and non-polar, with methionine, which is neutral and non-polar, at codon 307 of the SKI protein (p.Val307Met). This variant is present in population databases (rs775192483, gnomAD 0.004%). This variant has not been reported in the literature in individuals affected with SKI-related conditions. ClinVar contains an entry for this variant (Variation ID: 213686). Invitae Evidence Modeling of protein sequence and biophysical properties (such as structural, functional, and spatial information, amino acid conservation, physicochemical variation, residue mobility, and thermodynamic stability) indicates that this missense variant is not expected to disrupt SKI protein function with a negative predictive value of 95%. In summary, the available evidence is currently insufficient to determine the role of this variant in disease. Therefore, it has been classified as a Variant of Uncertain Significance.

GeneDx
Classification: Uncertain significance. Last evaluated: 2015-04-17. Review status: criteria provided, single submitter. Criteria: GeneDx Variant Classification (06012015). Collection method: clinical testing. Allele origin: germline. Affected: yes.
Comment: p.Val307Met (V307M) GTG>ATG: c.919 G>A in exon 1 of the SKI gene (NM_003036.3) A variant of unknown significance has been identified in the SKI gene. The V307M variant has not been published as a mutation, nor has it been reported as a benign polymorphism to our knowledge. The V307M variant was not observed in approximately 6400 individuals of European and African American ancestry in the NHLBI Exome Sequencing Project. The V307M variant is a conservative amino acid substitution, which is not likely to impact secondary protein structure as these residues share similar properties. This substitution occurs at a position where amino acids with similar properties to Valine are tolerated across species, including Methionine which is present as the wild type in several species. In silico analysis is inconsistent in its predictions as to whether or not the variant is damaging to the protein structure/function. Finally, no missense mutations in nearby residues have been reported in association with SKI-related disorders, suggesting this region of the protein may be tolerant of change. Therefore, based on the currently available information, it is unclear whether this variant is a pathogenic mutation or a rare benign variant. This variant was found in TAADV2-1